The following is an entry in ClinVar:

ClinVar aggregate classification (germline): Benign/Likely benign. Review status: criteria provided, multiple submitters, no conflicts (2 of 4 stars). 4 submissions from 4 submitters: Benign (2); Likely benign (2). Last evaluated 2026-02-02.

Conditions:
ALG12-congenital disorder of glycosylation (CDG1G). Also called: Congenital disorder of glycosylation, type Ig; CDG Ig; ALG12-CDG. Identifiers: Orphanet 79324, MedGen C2931001, MONDO:0011783, OMIM 607143.

Allele frequency attached by ClinVar (database versions not stated): gnomAD exomes 0.00151; ExAC 0.00192; 1000 Genomes Project 0.00499; 1000 Genomes Project 30x 0.00515; gnomAD 0.00547 and 0.00577; TOPMed 0.00601; ESP Exome Variant Server 0.00715.
gnomAD v4.1: 1,769 of 1,614,128 alleles (0.11%); highest among the groups gnomAD compares: African/African-American, 2%; 9 homozygotes.

Submissions (4):

Labcorp Genetics (formerly Invitae), Labcorp
Classification: Benign for ALG12-congenital disorder of glycosylation. Last evaluated: 2026-02-02. Review status: criteria provided, single submitter. Criteria: Invitae Variant Classification Sherloc (09022015). Collection method: clinical testing. Allele origin: germline.

Illumina Laboratory Services, Illumina
Classification: Likely benign for ALG12-congenital disorder of glycosylation. Last evaluated: 2018-01-12. Review status: criteria provided, single submitter. Criteria: ICSL Variant Classification Criteria 13 December 2019. Collection method: clinical testing. Allele origin: germline.
Comment: This variant was observed in the ICSL laboratory as part of a predisposition screen in an ostensibly healthy population. It had not been previously curated by ICSL or reported in the Human Gene Mutation Database (HGMD: prior to June 1st, 2018), and was therefore a candidate for classification through an automated scoring system. Utilizing variant allele frequency, disease prevalence and penetrance estimates, and inheritance mode, an automated score was calculated to assess if this variant is too frequent to cause the disease. Based on the score and internal cut-off values, a variant classified as likely benign is not then subjected to further curation. The score for this variant resulted in a classification of likely benign for this disease.

Eurofins Ntd Llc (ga)
Classification: Benign. Last evaluated: 2014-03-17. Review status: criteria provided, single submitter. Criteria: EGL Classification Definitions 2015. Collection method: clinical testing. Allele origin: germline. Observed: 1 variant allele, 1 heterozygote.

Breakthrough Genomics
Classification: Likely benign. Review status: criteria provided, single submitter. Criteria: ACMG Guidelines, 2015. Collection method: not provided. Allele origin: germline. Inheritance: Autosomal recessive inheritance. Affected: yes.

NM_024105.4(ALG12):c.645G>A (p.Pro215=)

Gene: ALG12 (ALG12 alpha-1,6-mannosyltransferase; minus strand). Cytogenetic location: 22q13.33.
Variant type: single nucleotide variant.
Coding change: c.645G>A on transcript NM_024105.4 (MANE Select); coding-DNA position 645, G replaced by A.
Protein change: p.Pro215=; no amino-acid change (proline 215 retained).
Molecular consequence: synonymous variant.
Genome position (GRCh38, 1-based): chr22:49,909,913, C>T on the plus strand (G>A on the coding strand, the complement: ALG12 is on the minus strand). VCF-style: chr22-49909913-C-T. GRCh37 (hg19) VCF-style: chr22-50303561-C-T.
Identifiers: ClinVar variation 166674 (VCV000166674.20), dbSNP rs12167668, ClinGen allele CA179726.